The following is an entry in ClinVar:

ClinVar aggregate classification (germline): Uncertain significance. Review status: criteria provided, single submitter (1 of 4 stars). 2 submissions from 2 submitters: Uncertain significance (1). 1 of the submissions does not count toward it. Last evaluated 2025-06-13.

Conditions:
Wilson disease (WND). Also called: Wilson's disease. Identifiers: Orphanet 905, MedGen C0019202, MONDO:0010200, OMIM 277900. Disease mechanism: loss of function.

Allele frequency attached by ClinVar (database versions not stated): gnomAD exomes below 0.00001; gnomAD 0.00001; TOPMed 0.00001.
gnomAD v4.1: 2 of 1,613,982 alleles (0.00012%); highest among the groups gnomAD compares: Non-Finnish European, 0.00017%; no homozygotes.

Submissions (2):

Women's Health and Genetics/Laboratory Corporation of America, LabCorp
Classification: Uncertain significance. Last evaluated: 2025-06-13. Review status: criteria provided, single submitter. Criteria: LabCorp Variant Classification Summary - May 2015. Collection method: clinical testing. Allele origin: germline.
Comment: Variant summary: ATP7B c.2945C>T (p.Ala982Val) results in a non-conservative amino acid change in the encoded protein sequence. Algorithms developed to predict the effect of missense changes on protein structure and function all suggest that this variant is likely to be disruptive. The variant was absent in 249350 control chromosomes. c.2945C>T has been observed in the compound heterozygous state in at least two individuals affected with Wilson Disease and in two additional indiviudals affected with Wilson Disease with unknown genotypes (Ferenci_2019, Merle_2010, Lepori_2007, Simon_2008). These data indicate that the variant may be associated with disease. To our knowledge, no experimental evidence demonstrating an impact on protein function has been reported. The following publications have been ascertained in the context of this evaluation (PMID: 30232804, 17949296, 20082719, 18416466). ClinVar contains an entry for this variant (Variation ID: 553438). Based on the evidence outlined above, the variant was classified as VUS-possibly pathogenic.

Counsyl
Classification: Uncertain significance for Wilson disease. Last evaluated: 2017-08-18. Review status: no assertion criteria provided. Collection method: clinical testing. Allele origin: unknown. Not counted in ClinVar's aggregate classification.

Literature cited by the submitters: PubMed 17949296 (cited by Women's Health and Genetics/Laboratory Corporation of America, LabCorp and Counsyl); PubMed 20082719 (cited by Women's Health and Genetics/Laboratory Corporation of America, LabCorp); PubMed 30232804 (cited by Women's Health and Genetics/Laboratory Corporation of America, LabCorp); PubMed 18416466 (cited by Women's Health and Genetics/Laboratory Corporation of America, LabCorp); PubMed 20517649 (cited by Counsyl).

NM_000053.4(ATP7B):c.2945C>T (p.Ala982Val)

Gene: ATP7B (ATPase copper transporting beta; minus strand). Cytogenetic location: 13q14.3.
Variant type: single nucleotide variant.
Coding change: c.2945C>T on transcript NM_000053.4 (MANE Select); coding-DNA position 2945, C replaced by T.
Protein change: p.Ala982Val; replaces alanine 982 with valine.
Molecular consequence: missense variant.
Genome position (GRCh38, 1-based): chr13:51,946,399, G>A on the plus strand (C>T on the coding strand, the complement: ATP7B is on the minus strand). VCF-style: chr13-51946399-G-A. GRCh37 (hg19) VCF-style: chr13-52520535-G-A.
Other names: c.2324C>T, p.Ala775Val (NM_001005918.3); c.2612C>T, p.Ala871Val (NM_001243182.2); c.2711C>T, p.Ala904Val (NM_001330578.2); c.2693C>T, p.Ala898Val (NM_001330579.2); short protein forms A982V, A871V, A898V, A904V, A775V.
Identifiers: ClinVar variation 553438 (VCV000553438.3), dbSNP rs1487547257, ClinGen allele CA388032318.